The following is an entry in ClinVar:

NM_000535.7(PMS2):c.429del (p.Ile144fs)

Gene: PMS2 (PMS1 homolog 2, mismatch repair system component; minus strand). Cytogenetic location: 7p22.1.
Variant type: Deletion.
Coding change: c.429del on transcript NM_000535.7 (MANE Select); coding-DNA position 429, one base deleted (T; older notation c.429delT).
Protein change: p.Ile144fs; shifts the reading frame from isoleucine 144.
Molecular consequence: frameshift variant. On other transcripts: 5 prime UTR variant (2), non-coding transcript variant (1).
Genome position (GRCh38, 1-based): chr7:6,002,561, A deleted on the plus strand (T on the coding strand, the reverse complement: PMS2 is on the minus strand); the first of 2 consecutive A bases (chr7:6,002,561-6,002,562); deleting either gives the same sequence. VCF-style (leftmost placement, unchanged base first): chr7-6002560-TA-T. GRCh37 (hg19) VCF-style: chr7-6042191-TA-T.
Other names: c.429delT (NM_000535.5); c.23delT, p.Ile9Serfs (NM_001018040.1, NM_001406887.1, NM_001406888.1 and 19 more transcripts); c.24del, p.Ile9fs (NM_001322003.2, NM_001322004.2, NM_001322005.2 and 3 more transcripts); c.429del, p.Ile144fs (NM_001322006.2, NM_001322014.2); c.111del, p.Ile38fs (NM_001322007.2, NM_001322008.2); c.-456del (NM_001322011.2, NM_001322012.2); c.120del, p.Ile41fs (NM_001322015.2); c.614delT, p.Ile206Serfs (NM_001406866.1); and 4 more; short protein forms I144fs, I38fs, I9fs, I41fs.
Identifiers: ClinVar variation 1739502 (VCV001739502.2), dbSNP rs2536447248, ClinGen allele CA2580077004.

ClinVar aggregate classification (germline): Pathogenic (1 of 4 stars; one submission).

Conditions:
Hereditary cancer-predisposing syndrome. Also called: Hereditary Cancer Syndrome; Hereditary neoplastic syndrome; Neoplastic Syndromes, Hereditary; Tumor predisposition. Identifiers: Orphanet 140162, MedGen C0027672, MeSH D009386, MONDO:0015356.

Submission:

Ambry Genetics
Classification: Pathogenic for Hereditary cancer-predisposing syndrome. Last evaluated: 2020-03-31. Review status: criteria provided, single submitter. Criteria: Ambry Variant Classification Scheme 2023. Collection method: clinical testing. Allele origin: germline.
Comment: The c.429delT pathogenic mutation, located in coding exon 5 of the PMS2 gene, results from a deletion of one nucleotide at position 429, causing a translational frameshift with a predicted alternate stop codon (p.I144Sfs*57). This alteration is expected to result in loss of function by premature protein truncation or nonsense-mediated mRNA decay. As such, this alteration is interpreted as a disease-causing mutation.